The following is an entry in ClinVar:

ClinVar aggregate classification (germline): Uncertain significance. Review status: criteria provided, multiple submitters, no conflicts (2 of 4 stars). 2 submissions from 2 submitters: Uncertain significance (2). Last evaluated 2024-03-31.

Allele frequency attached by ClinVar (database versions not stated): ExAC 0.00001; TOPMed 0.00002.

Submissions (2):

Ambry Genetics
Classification: Uncertain significance. Last evaluated: 2024-03-31. Review status: criteria provided, single submitter. Criteria: Ambry Variant Classification Scheme 2023. Collection method: clinical testing. Allele origin: germline.

Labcorp Genetics (formerly Invitae), Labcorp
Classification: Uncertain significance. Last evaluated: 2023-11-28. Review status: criteria provided, single submitter. Criteria: Invitae Variant Classification Sherloc (09022015). Collection method: clinical testing. Allele origin: germline.
Comment: This sequence change replaces tyrosine, which is neutral and polar, with serine, which is neutral and polar, at codon 262 of the WNT3A protein (p.Tyr262Ser). This variant is present in population databases (rs761306494, gnomAD 0.06%). This variant has not been reported in the literature in individuals affected with WNT3A-related conditions. Advanced modeling of protein sequence and biophysical properties (such as structural, functional, and spatial information, amino acid conservation, physicochemical variation, residue mobility, and thermodynamic stability) performed at Invitae indicates that this missense variant is not expected to disrupt WNT3A protein function with a negative predictive value of 80%. In summary, the available evidence is currently insufficient to determine the role of this variant in disease. Therefore, it has been classified as a Variant of Uncertain Significance.

NM_033131.4(WNT3A):c.785A>C (p.Tyr262Ser)

Gene: WNT3A (Wnt family member 3A; plus strand). Cytogenetic location: 1q42.13.
Variant type: single nucleotide variant.
Coding change: c.785A>C on transcript NM_033131.4 (MANE Select); coding-DNA position 785, A replaced by C.
Protein change: p.Tyr262Ser; replaces tyrosine 262 with serine.
Molecular consequence: missense variant.
Genome position (GRCh38, 1-based): chr1:228,059,191, A>C. VCF-style: chr1-228059191-A-C. GRCh37 (hg19) VCF-style: chr1-228246892-A-C.
Other names: c.785A>C (NM_033131.3); short protein forms Y262S.
Identifiers: ClinVar variation 2900878 (VCV002900878.4), dbSNP rs761306494, ClinGen allele CA1429538.